The following is an entry in ClinVar:

NM_000492.4(CFTR):c.1209+1G>A

Gene: CFTR (CF transmembrane conductance regulator; plus strand). Cytogenetic location: 7q31.2.
Variant type: single nucleotide variant.
Coding change: c.1209+1G>A on transcript NM_000492.4 (MANE Select); the canonical splice donor site of the intron after coding-DNA position 1209, G replaced by A.
Molecular consequence: splice donor variant.
Genome position (GRCh38, 1-based): chr7:117,542,109, G>A. VCF-style: chr7-117542109-G-A. GRCh37 (hg19) VCF-style: chr7-117182163-G-A.
Other names: 1341+1G->A.
Identifiers: ClinVar variation 53214 (VCV000053214.14), dbSNP rs397508176, ClinGen allele CA328084.

ClinVar aggregate classification (germline): Pathogenic. Review status: reviewed by expert panel (3 of 4 stars). 7 submissions from 7 submitters: Pathogenic (1). 6 of the submissions do not count toward it. Last evaluated 2017-03-17.

Conditions:
CFTR-related disorder (CFTR-RD). Also called: CFTR-related condition; CFTR-related disorders. Identifiers: MedGen C5924204, MONDO:7770004.
Cystic fibrosis (CF). Also called: MUCOVISCIDOSIS. Identifiers: Orphanet 586, MedGen C0010674, MONDO:0009061, OMIM 219700. Disease mechanism: loss of function.

Allele frequency attached by ClinVar (database versions not stated): gnomAD exomes below 0.00001; TOPMed 0.00001.
gnomAD v4.1: 1 of 1,555,434 alleles (0.000064%); highest among the groups gnomAD compares: Non-Finnish European, 0.000089%; no homozygotes.

Submissions (7):

CFTR2
Classification: Pathogenic for Cystic fibrosis. Last evaluated: 2017-03-17. Review status: reviewed by expert panel. Criteria: Sosnay PR et al. (Nat Genet 2013). Collection method: research. Allele origin: germline. Affected: yes. Study: CFTR2.

Natera, Inc.
Classification: Pathogenic for CFTR-related disorders. Last evaluated: 2025-11-05. Review status: criteria provided, single submitter. Criteria: Natera Variant Classification Schema (03/2026). Collection method: clinical testing. Allele origin: germline. Not counted in ClinVar's aggregate classification.
Comment: The c.1209+1G>A variant in CFTR is a canonical splice donor site variant predicted to affect pre-mRNA splicing, which may result in an abnormal transcript and altered protein product. This variant is expected to result in nonsense mediated decay, truncation, or a dysfunctional protein product. This variant is rare in the general population with a frequency below the threshold expected for the associated phenotype(s). This variant has been observed in one or more individuals affected with the associated recessive disease, as either homozygous or compound heterozygous with a second variant (PMID: 25629612). Given the available evidence, this variant is classified as Pathogenic.

PreventionGenetics, part of Exact Sciences
Classification: Pathogenic for CFTR-related condition. Last evaluated: 2025-02-06. Review status: criteria provided, single submitter. Criteria: ACMG Guidelines, 2015. Collection method: clinical testing. Allele origin: germline. Not counted in ClinVar's aggregate classification.
Comment: The CFTR c.1209+1G>A variant is predicted to disrupt the GT donor site and interfere with normal splicing. This variant (also described as 1341+1G>A) has been reported in the heterozygous or compound heterozygous states in multiple individuals with cystic fibrosis or other CFTR-related disorders (Kelies and Kammesheidt 2006. PubMed ID: 17003641; Křenková et al. 2013. PubMed ID: 23276700; Sosnay et al. 2013. PubMed ID: 23974870; Claustres et al. 2017. PubMed ID: 28603918; Table S1, Raraigh et al. 2022. PubMed ID: 34782259). This variant has not been reported in a large population database (gnomAD), indicating this variant is rare. This variant is predicted to abolish the canonical splice donor site and cause an in-frame deletion of 31 amino acids due to exon skipping. Several different nucleotide substitutions impacting this particular donor site (c.1209+1G>C, +1G>T, and +2T>G) have also been reported in individuals with CF or CFTR-related disorders (Li et al. 2012. PubMed ID: 22483971; Claustres et al. 2017. PubMed ID: 28603918; da Silva Filho et al. 2021. PubMed ID: 32819855; Xu et al. 2023. PubMed ID: 37477516). Variants that disrupt the consensus splice donor site in CFTR are expected to be pathogenic. Taken together, the c.1209+1G>A variant is interpreted as pathogenic.

Women's Health and Genetics/Laboratory Corporation of America, LabCorp
Classification: Pathogenic for Cystic fibrosis. Last evaluated: 2023-09-08. Review status: criteria provided, single submitter. Criteria: LabCorp Variant Classification Summary - May 2015. Collection method: clinical testing. Allele origin: germline. Not counted in ClinVar's aggregate classification.
Comment: Variant summary: CFTR c.1209+1G>A is located in a canonical splice-site and is predicted to affect mRNA splicing resulting in a significantly altered protein due to either exon skipping, shortening, or inclusion of intronic material. Several computational tools predict a significant impact on normal splicing: Two predict the variant abolishes a canonical 5' splicing donor site. However, these predictions have yet to be confirmed by functional studies. The variant was absent in 249772 control chromosomes (gnomAD). c.1209+1G>A has been reported in the literature in individuals affected with Cystic Fibrosis (examples: Essawi_2015, Boutin_2014, Sosnay_2014, Krenkova_2012, Keiles_2006). These data indicate that the variant is likely to be associated with disease. The following publications have been ascertained in the context of this evaluation (PMID: 25629612, 25688174, 23974870, 23276700, 17003641). Five submitters have cited clinical-significance assessments for this variant to ClinVar after 2014. All submitters classified the variant as pathogenic. Based on the evidence outlined above, the variant was classified as pathogenic.

Labcorp Genetics (formerly Invitae), Labcorp
Classification: Pathogenic for Cystic fibrosis. Last evaluated: 2022-06-25. Review status: criteria provided, single submitter. Criteria: Invitae Variant Classification Sherloc (09022015). Collection method: clinical testing. Allele origin: germline. Not counted in ClinVar's aggregate classification.
Comment: This sequence change affects a donor splice site in intron 9 of the CFTR gene. It is expected to disrupt RNA splicing. Variants that disrupt the donor or acceptor splice site typically lead to a loss of protein function (PMID: 16199547), and loss-of-function variants in CFTR are known to be pathogenic (PMID: 1695717, 7691345, 9725922). This variant is not present in population databases (gnomAD no frequency). Disruption of this splice site has been observed in individuals with cystic fibrosis (PMID: 23276700, 23974870). ClinVar contains an entry for this variant (Variation ID: 53214). Algorithms developed to predict the effect of sequence changes on RNA splicing suggest that this variant may disrupt the consensus splice site. For these reasons, this variant has been classified as Pathogenic.

CFTR-France
Classification: Pathogenic for cystic fibrosis. Last evaluated: 2018-01-29. Review status: criteria provided, single submitter. Criteria: Claustres M et al. (Hum Mutat 2017). Collection method: curation. Allele origin: germline. Affected: yes. Not counted in ClinVar's aggregate classification.

Ambry Genetics
Classification: Pathogenic for Cystic fibrosis. Last evaluated: 2017-09-05. Review status: criteria provided, single submitter. Criteria: Ambry Variant Classification Scheme 2023. Collection method: clinical testing. Allele origin: germline. Not counted in ClinVar's aggregate classification.
Comment: The c.1209+1G>A intronic pathogenic mutation results from a G to A substitution one nucleotide after coding exon 9 of the CFTR gene. This pathogenic mutation is associated with pancreatic insufficiency, elevated sweat chloride levels, and a higher rate of Pseudomonas infection (Sosnay PR et al. Nat. Genet., 2013 Oct;45:1160-7). In addition to the clinical data presented in the literature, alterations that disrupt the canonical splice site are expected to cause aberrant splicing, resulting in an abnormal protein or a transcript that is subject to nonsense-mediated mRNA decay. As such, this alteration is classified as likely pathogenic.

Literature cited by the submitters: PubMed 25629612 (cited by Natera, Inc. and Women's Health and Genetics/Laboratory Corporation of America, LabCorp); PubMed 17003641 (cited by Women's Health and Genetics/Laboratory Corporation of America, LabCorp); PubMed 23276700 (cited by 3 submitters); PubMed 23974870 (cited by 3 submitters); PubMed 25688174 (cited by Women's Health and Genetics/Laboratory Corporation of America, LabCorp); PubMed 16199547 (cited by Labcorp Genetics (formerly Invitae), Labcorp); PubMed 1695717 (cited by Labcorp Genetics (formerly Invitae), Labcorp); PubMed 7691345 (cited by Labcorp Genetics (formerly Invitae), Labcorp); PubMed 9725922 (cited by Labcorp Genetics (formerly Invitae), Labcorp).